The following is an entry in ClinVar:

NM_025225.3(PNPLA3):c.*275C>T

Gene: PNPLA3 (patatin like domain 3, 1-acylglycerol-3-phosphate O-acyltransferase; plus strand). Cytogenetic location: 22q13.31.
Variant type: single nucleotide variant.
Coding change: c.*275C>T on transcript NM_025225.3 (MANE Select); 275 bases downstream of the stop codon, C replaced by T.
Molecular consequence: 3 prime UTR variant.
Genome position (GRCh38, 1-based): chr22:43,946,657, C>T. VCF-style: chr22-43946657-C-T. GRCh37 (hg19) VCF-style: chr22-44342537-C-T.
Identifiers: ClinVar variation 899692 (VCV000899692.4), dbSNP rs537338257, ClinGen allele CA324869454.

ClinVar aggregate classification (germline): Likely benign (1 of 4 stars; one submission).

Conditions:
NAFLD1 (FLD1). Also called: Fatty liver disease, nonalcoholic 1; FATTY LIVER DISEASE, SUSCEPTIBILITY TO, 1. Identifiers: MedGen C2750440, MONDO:0021105, OMIM 613282.

Allele frequency attached by ClinVar (database versions not stated): gnomAD 0.00014 and 0.00044; TOPMed 0.00023; gnomAD exomes 0.00161; 1000 Genomes Project 0.00200; 1000 Genomes Project 30x 0.00203.
gnomAD v4.1: 842 of 648,532 alleles (0.13%); highest among the groups gnomAD compares: South Asian, 0.98%; 9 homozygotes.

Submission:

Illumina Laboratory Services, Illumina
Classification: Likely benign for NAFLD1. Last evaluated: 2018-01-13. Review status: criteria provided, single submitter. Criteria: ICSL Variant Classification Criteria 13 December 2019. Collection method: clinical testing. Allele origin: germline.
Comment: This variant was observed in the ICSL laboratory as part of a predisposition screen in an ostensibly healthy population. It had not been previously curated by ICSL or reported in the Human Gene Mutation Database (HGMD: prior to June 1st, 2018), and was therefore a candidate for classification through an automated scoring system. Utilizing variant allele frequency, disease prevalence and penetrance estimates, and inheritance mode, an automated score was calculated to assess if this variant is too frequent to cause the disease. Based on the score and internal cut-off values, a variant classified as likely benign is not then subjected to further curation. The score for this variant resulted in a classification of likely benign for this disease.